The following is an entry in ClinVar:

ClinVar aggregate classification (germline): Uncertain significance (1 of 4 stars; one submission).

Conditions:
Carnitine palmitoyltransferase II deficiency. Also called: Carnitine Palmitoyltransferase 2 Deficiency. Identifiers: Orphanet 157, MedGen C0342790, MONDO:0015515.

Allele frequency attached by ClinVar (database versions not stated): gnomAD exomes 0.00001.

Submission:

Labcorp Genetics (formerly Invitae), Labcorp
Classification: Uncertain significance for Carnitine palmitoyltransferase II deficiency. Last evaluated: 2019-12-22. Review status: criteria provided, single submitter. Criteria: Invitae Variant Classification Sherloc (09022015). Collection method: clinical testing. Allele origin: germline.
Comment: This variant is not present in population databases (ExAC no frequency). This sequence change replaces lysine with glutamic acid at codon 537 of the CPT2 protein (p.Lys537Glu). The lysine residue is moderately conserved and there is a small physicochemical difference between lysine and glutamic acid. This variant has not been reported in the literature in individuals with CPT2-related conditions. In summary, the available evidence is currently insufficient to determine the role of this variant in disease. Therefore, it has been classified as a Variant of Uncertain Significance. Algorithms developed to predict the effect of missense changes on protein structure and function (SIFT, PolyPhen-2, Align-GVGD) all suggest that this variant is likely to be tolerated, but these predictions have not been confirmed by published functional studies and their clinical significance is uncertain.

NM_000098.3(CPT2):c.1609A>G (p.Lys537Glu)

Gene: CPT2 (carnitine palmitoyltransferase 2; plus strand). Cytogenetic location: 1p32.3.
Variant type: single nucleotide variant.
Coding change: c.1609A>G on transcript NM_000098.3 (MANE Select); coding-DNA position 1609, A replaced by G.
Protein change: p.Lys537Glu; replaces lysine 537 with glutamic acid.
Molecular consequence: missense variant. On other transcripts: intron variant (1).
Genome position (GRCh38, 1-based): chr1:53,211,283, A>G. VCF-style: chr1-53211283-A-G. GRCh37 (hg19) VCF-style: chr1-53676955-A-G.
Other names: c.1576+33A>G (NM_001330589.2); short protein forms K537E.
Identifiers: ClinVar variation 854160 (VCV000854160.7), dbSNP rs1645426515, ClinGen allele CA340396938.